The following is an entry in ClinVar:

NM_005430.4(WNT1):c.923C>T (p.Ala308Val)

Gene: WNT1 (Wnt family member 1; plus strand). Cytogenetic location: 12q13.12.
Variant type: single nucleotide variant.
Coding change: c.923C>T on transcript NM_005430.4 (MANE Select); coding-DNA position 923, C replaced by T.
Protein change: p.Ala308Val; replaces alanine 308 with valine.
Molecular consequence: missense variant.
Genome position (GRCh38, 1-based): chr12:48,981,450, C>T. VCF-style: chr12-48981450-C-T. GRCh37 (hg19) VCF-style: chr12-49375233-C-T.
Other names: short protein forms A308V.
Identifiers: ClinVar variation 2799197 (VCV002799197.4), dbSNP rs1425027070, ClinGen allele CA384637261.

ClinVar aggregate classification (germline): Uncertain significance. Review status: criteria provided, multiple submitters, no conflicts (2 of 4 stars). 2 submissions from 2 submitters: Uncertain significance (2). Last evaluated 2023-09-18.

Allele frequency attached by ClinVar (database versions not stated): TOPMed below 0.00001; gnomAD 0.00001.
gnomAD v4.1: 5 of 1,563,256 alleles (0.00032%); highest among the groups gnomAD compares: Middle Eastern, 0.017%; no homozygotes.

Submissions (2):

Labcorp Genetics (formerly Invitae), Labcorp
Classification: Uncertain significance. Last evaluated: 2023-09-18. Review status: criteria provided, single submitter. Criteria: Invitae Variant Classification Sherloc (09022015). Collection method: clinical testing. Allele origin: germline.
Comment: In summary, the available evidence is currently insufficient to determine the role of this variant in disease. Therefore, it has been classified as a Variant of Uncertain Significance. Advanced modeling of protein sequence and biophysical properties (such as structural, functional, and spatial information, amino acid conservation, physicochemical variation, residue mobility, and thermodynamic stability) performed at Invitae indicates that this missense variant is not expected to disrupt WNT1 protein function. This variant has not been reported in the literature in individuals affected with WNT1-related conditions. This variant is not present in population databases (gnomAD no frequency). This sequence change replaces alanine, which is neutral and non-polar, with valine, which is neutral and non-polar, at codon 308 of the WNT1 protein (p.Ala308Val).

Breakthrough Genomics
Classification: Uncertain significance. Review status: criteria provided, single submitter. Criteria: ACMG Guidelines, 2015. Collection method: not provided. Allele origin: germline. Inheritance: Autosomal recessive inheritance. Affected: yes.